The following is an entry in ClinVar:

NM_005055.5(RAPSN):c.566C>G (p.Ala189Gly)

Gene: RAPSN (receptor associated protein of the synapse; minus strand). Cytogenetic location: 11p11.2.
Variant type: single nucleotide variant.
Coding change: c.566C>G on transcript NM_005055.5 (MANE Select); coding-DNA position 566, C replaced by G.
Protein change: p.Ala189Gly; replaces alanine 189 with glycine.
Molecular consequence: missense variant.
Genome position (GRCh38, 1-based): chr11:47,442,780, G>C on the plus strand (C>G on the coding strand, the complement: RAPSN is on the minus strand). VCF-style: chr11-47442780-G-C. GRCh37 (hg19) VCF-style: chr11-47464332-G-C.
Other names: c.566C>G, p.Ala189Gly (NM_032645.5); short protein forms A189G.
Identifiers: ClinVar variation 1448655 (VCV001448655.6), dbSNP rs121909257, ClinGen allele CA5976702.
Genomic context (GRCh38, chr11:47,442,780, plus strand): 5'-TGGCTCATGGCCCGGTACTTCAGGCTCCAGCCTTTGCCATAGTTGTTGACAAGCTCTGCC[G>C]CCTTGCAGGGGAAGAACAGGGCTTTCTCGTAGTCCTGCAGGGGACATGGAATGGAAGGAG-3'
Protein context (NP_005046.2, residues 179-199): YEKALFFPCK[Ala189Gly]AELVNNYGKG

ClinVar aggregate classification (germline): Uncertain significance (1 of 4 stars; one submission).

Conditions:
Congenital myasthenic syndrome 11. Also called: MYASTHENIC SYNDROME, CONGENITAL, Ie; Myasthenic syndrome, congenital, 11, associated with acetylcholine receptor deficiency. Identifiers: Orphanet 590, MedGen C4225367, MONDO:0014588, OMIM 616326.
Fetal akinesia deformation sequence 1 (FADS1). Also called: Fetal akinesia sequence; Pena-Shokeir syndrome type I. Identifiers: Orphanet 994, MedGen C1276035, MONDO:0100101, OMIM 208150, HP:0001989.

gnomAD v4.1: 17 of 1,614,256 alleles (0.0011%); highest among the groups gnomAD compares: South Asian, 0.013%; no homozygotes.

Submission:

Labcorp Genetics (formerly Invitae), Labcorp
Classification: Uncertain significance for Congenital myasthenic syndrome 11; Fetal akinesia deformation sequence 1. Last evaluated: 2025-06-25. Review status: criteria provided, single submitter. Criteria: Invitae Variant Classification Sherloc (09022015). Collection method: clinical testing. Allele origin: germline.
Comment: This sequence change replaces alanine, which is neutral and non-polar, with glycine, which is neutral and non-polar, at codon 189 of the RAPSN protein (p.Ala189Gly). This variant is present in population databases (rs121909257, gnomAD 0.03%). This variant has not been reported in the literature in individuals affected with RAPSN-related conditions. ClinVar contains an entry for this variant (Variation ID: 1448655). Invitae Evidence Modeling of protein sequence and biophysical properties (such as structural, functional, and spatial information, amino acid conservation, physicochemical variation, residue mobility, and thermodynamic stability) has been performed for this missense variant. However, the output from this modeling did not meet the statistical confidence thresholds required to predict the impact of this variant on RAPSN protein function. In summary, the available evidence is currently insufficient to determine the role of this variant in disease. Therefore, it has been classified as a Variant of Uncertain Significance.